The following is an entry in ClinVar:

ClinVar aggregate classification (germline): Uncertain significance. Review status: criteria provided, multiple submitters, no conflicts (2 of 4 stars). 2 submissions from 2 submitters: Uncertain significance (2). Last evaluated 2023-04-28.

Conditions:
Gorlin syndrome. Also called: Nevoid Basal Cell Carcinoma Syndrome; Basal cell nevus syndrome. Identifiers: Orphanet 377, MedGen C0004779, MONDO:0007187.
Hereditary cancer-predisposing syndrome. Also called: Hereditary neoplastic syndrome; Tumor predisposition; Neoplastic Syndromes, Hereditary; Hereditary Cancer Syndrome. Identifiers: Orphanet 140162, MedGen C0027672, MeSH D009386, MONDO:0015356.

gnomAD v4.1: 2 of 1,612,636 alleles (0.00012%); highest among the groups gnomAD compares: Non-Finnish European, 0.00017%; no homozygotes.

Submissions (2):

Ambry Genetics
Classification: Uncertain significance for Hereditary cancer-predisposing syndrome. Last evaluated: 2023-04-28. Review status: criteria provided, single submitter. Criteria: Ambry Variant Classification Scheme 2023. Collection method: clinical testing. Allele origin: germline.
Comment: The p.R1338L variant (also known as c.4013G>T), located in coding exon 23 of the PTCH1 gene, results from a G to T substitution at nucleotide position 4013. The arginine at codon 1338 is replaced by leucine, an amino acid with dissimilar properties. This amino acid position is conserved. In addition, the in silico prediction for this alteration is inconclusive. Since supporting evidence is limited at this time, the clinical significance of this alteration remains unclear.

Labcorp Genetics (formerly Invitae), Labcorp
Classification: Uncertain significance for Gorlin syndrome. Last evaluated: 2019-12-27. Review status: criteria provided, single submitter. Criteria: Invitae Variant Classification Sherloc (09022015). Collection method: clinical testing. Allele origin: germline.
Comment: In summary, the available evidence is currently insufficient to determine the role of this variant in disease. Therefore, it has been classified as a Variant of Uncertain Significance. Algorithms developed to predict the effect of missense changes on protein structure and function (SIFT, PolyPhen-2, Align-GVGD) all suggest that this variant is likely to be tolerated, but these predictions have not been confirmed by published functional studies and their clinical significance is uncertain. This variant has not been reported in the literature in individuals with PTCH1-related conditions. This variant is not present in population databases (ExAC no frequency). This sequence change replaces arginine with leucine at codon 1338 of the PTCH1 protein (p.Arg1338Leu). The arginine residue is moderately conserved and there is a moderate physicochemical difference between arginine and leucine.

NM_000264.5(PTCH1):c.4013G>T (p.Arg1338Leu)

Gene: PTCH1 (patched 1; minus strand). Cytogenetic location: 9q22.32.
Variant type: single nucleotide variant.
Coding change: c.4013G>T on transcript NM_000264.5 (MANE Select); coding-DNA position 4013, G replaced by T.
Protein change: p.Arg1338Leu; replaces arginine 1338 with leucine.
Molecular consequence: missense variant. On other transcripts: non-coding transcript variant (1).
Genome position (GRCh38, 1-based): chr9:95,447,243, C>A on the plus strand (G>T on the coding strand, the complement: PTCH1 is on the minus strand). VCF-style: chr9-95447243-C-A. GRCh37 (hg19) VCF-style: chr9-98209525-C-A.
Other names: c.3815G>T, p.Arg1272Leu (NM_001083602.3); c.4010G>T, p.Arg1337Leu (NM_001083603.3); c.3560G>T, p.Arg1187Leu (NM_001083604.3, NM_001083605.3, NM_001083606.3 and 1 more transcripts); c.3857G>T, p.Arg1286Leu (NM_001354918.2); short protein forms R1187L, R1338L, R1272L, R1337L, R1286L.
Identifiers: ClinVar variation 858109 (VCV000858109.10), dbSNP rs771238114, ClinGen allele CA374110475.